The following is an entry in ClinVar:

NM_001308093.3(GATA4):c.443A>C (p.Gln148Pro)

Gene: GATA4 (GATA binding protein 4). Cytogenetic location: 8p23.1.
Variant type: single nucleotide variant.
Coding change: c.443A>C on transcript NM_001308093.3 (MANE Select); coding-DNA position 443, A replaced by C.
Protein change: p.Gln148Pro; replaces glutamine 148 with proline.
Molecular consequence: missense variant. On other transcripts: intron variant (3).
Genome position (GRCh38, 1-based): chr8:11,708,755, A>C. VCF-style: chr8-11708755-A-C. GRCh37 (hg19) VCF-style: chr8-11566264-A-C.
Other names: c.443A>C, p.Gln148Pro (NM_002052.5); c.-6+7977A>C (NM_001308094.2); c.-3+741A>C (NM_001374274.1); c.-3+4451A>C (NM_001374273.1); short protein forms Q148P.
Identifiers: ClinVar variation 1398244 (VCV001398244.8), dbSNP rs1800019742, ClinGen allele CA370309633.

ClinVar aggregate classification (germline): Uncertain significance (1 of 4 stars; one submission).

Conditions:
Atrioventricular septal defect 4 (AVSD4). Identifiers: MedGen C3280781, MONDO:0013747, OMIM 614430.

Submission:

Labcorp Genetics (formerly Invitae), Labcorp
Classification: Uncertain significance for Atrioventricular septal defect 4. Last evaluated: 2021-07-14. Review status: criteria provided, single submitter. Criteria: Invitae Variant Classification Sherloc (09022015). Collection method: clinical testing. Allele origin: germline.
Comment: This sequence change replaces glutamine with proline at codon 148 of the GATA4 protein (p.Gln148Pro). The glutamine residue is weakly conserved and there is a moderate physicochemical difference between glutamine and proline. The frequency data for this variant in the population databases is considered unreliable, as metrics indicate insufficient coverage at this position in the ExAC database. This variant has not been reported in the literature in individuals affected with GATA4-related conditions. Algorithms developed to predict the effect of missense changes on protein structure and function are either unavailable or do not agree on the potential impact of this missense change (SIFT: "Tolerated"; PolyPhen-2: "Possibly Damaging"; Align-GVGD: "Class C0"). In summary, the available evidence is currently insufficient to determine the role of this variant in disease. Therefore, it has been classified as a Variant of Uncertain Significance.